The following is an entry in ClinVar:

ClinVar aggregate classification (germline): Uncertain significance (1 of 4 stars; one submission).

gnomAD v4.1: 3 of 1,614,164 alleles (0.00019%); highest among the groups gnomAD compares: Non-Finnish European, 0.00025%; no homozygotes.

Submission:

GeneDx
Classification: Uncertain significance. Last evaluated: 2025-06-02. Review status: criteria provided, single submitter. Criteria: GeneDx Variant Classification Process June 2021. Collection method: clinical testing. Allele origin: germline. Affected: yes.
Comment: Not observed at significant frequency in large population cohorts (gnomAD); In silico analysis suggests that this missense variant does not alter protein structure/function; Has not been previously published as pathogenic or benign to our knowledge

NM_001282534.2(KCNK9):c.984C>G (p.His328Gln)

Gene: KCNK9 (potassium two pore domain channel subfamily K member 9; minus strand). Cytogenetic location: 8q24.3.
Variant type: single nucleotide variant.
Coding change: c.984C>G on transcript NM_001282534.2 (MANE Select); coding-DNA position 984, C replaced by G.
Protein change: p.His328Gln; replaces histidine 328 with glutamine.
Molecular consequence: missense variant. On other transcripts: non-coding transcript variant (1).
Genome position (GRCh38, 1-based): chr8:139,618,399, G>C on the plus strand (C>G on the coding strand, the complement: KCNK9 is on the minus strand). VCF-style: chr8-139618399-G-C. GRCh37 (hg19) VCF-style: chr8-140630642-G-C.
Other names: short protein forms H328Q.
Identifiers: ClinVar variation 4536227 (VCV004536227.1).